The following is an entry in ClinVar:

ClinVar aggregate classification (germline): Pathogenic/Likely pathogenic. Review status: criteria provided, multiple submitters, no conflicts (2 of 4 stars). 2 submissions from 2 submitters: Pathogenic (1); Likely pathogenic (1). Last evaluated 2025-06-20.

Conditions:
Retinoblastoma (RB1). Also called: RETINOBLASTOMA, SOMATIC. Identifiers: Orphanet 790, MedGen C0035335, MeSH D012175, MONDO:0008380, OMIM 180200, HP:0009919. Disease mechanism: loss of function. Inheritance: Both sporadic and heritable forms are tested..

Submissions (2):

GeneDx
Classification: Likely pathogenic. Last evaluated: 2025-06-20. Review status: criteria provided, single submitter. Criteria: GeneDx Variant Classification Process June 2021. Collection method: clinical testing. Allele origin: germline. Affected: yes.
Comment: Not observed at significant frequency in large population cohorts (gnomAD); In silico analysis supports a deleterious effect on splicing; This variant is associated with the following publications: (PMID: 31772335)

Labcorp Genetics (formerly Invitae), Labcorp
Classification: Pathogenic for Retinoblastoma. Last evaluated: 2023-04-11. Review status: criteria provided, single submitter. Criteria: Invitae Variant Classification Sherloc (09022015). Collection method: clinical testing. Allele origin: germline.
Comment: This variant is not present in population databases (gnomAD no frequency). This sequence change falls in intron 21 of the RB1 gene. It does not directly change the encoded amino acid sequence of the RB1 protein. This variant has been observed in individual(s) with retinoblastoma (Invitae). In at least one individual the variant was observed to be de novo. For these reasons, this variant has been classified as Pathogenic. Algorithms developed to predict the effect of sequence changes on RNA splicing suggest that this variant may disrupt the consensus splice site.

NM_000321.3(RB1):c.2212-14C>G

Gene: RB1 (RB transcriptional corepressor 1; plus strand). Cytogenetic location: 13q14.2.
Variant type: single nucleotide variant.
Coding change: c.2212-14C>G on transcript NM_000321.3 (MANE Select); 14 bases into the intron before coding-DNA position 2212, C replaced by G.
Molecular consequence: intron variant.
Genome position (GRCh38, 1-based): chr13:48,464,984, C>G. VCF-style: chr13-48464984-C-G. GRCh37 (hg19) VCF-style: chr13-49039120-C-G.
Other names: c.2212-14C>G (NM_001407165.1).
Identifiers: ClinVar variation 2802531 (VCV002802531.4), dbSNP rs80122842, ClinGen allele CA955793850.